The following is an entry in ClinVar:

ClinVar aggregate classification (germline): Uncertain significance (1 of 4 stars; one submission).

Conditions:
2-aminoadipic 2-oxoadipic aciduria (AAKAD). Also called: ALPHA-AMINOADIPIC AND ALPHA-KETOADIPIC ACIDURIA; Aminoadipic aciduria. Identifiers: Orphanet 79154, MedGen C1859817, MONDO:0008774, OMIM 204750.

Allele frequency attached by ClinVar (database versions not stated): TOPMed 0.00001.
gnomAD v4.1: 3 of 1,614,034 alleles (0.00019%); highest among the groups gnomAD compares: African/African-American, 0.004%; no homozygotes.

Submission:

Labcorp Genetics (formerly Invitae), Labcorp
Classification: Uncertain significance for 2-aminoadipic 2-oxoadipic aciduria. Last evaluated: 2023-01-06. Review status: criteria provided, single submitter. Criteria: Invitae Variant Classification Sherloc (09022015). Collection method: clinical testing. Allele origin: germline.
Comment: In summary, the available evidence is currently insufficient to determine the role of this variant in disease. Therefore, it has been classified as a Variant of Uncertain Significance. Advanced modeling of protein sequence and biophysical properties (such as structural, functional, and spatial information, amino acid conservation, physicochemical variation, residue mobility, and thermodynamic stability) performed at Invitae indicates that this missense variant is not expected to disrupt DHTKD1 protein function. This variant has not been reported in the literature in individuals affected with DHTKD1-related conditions. This variant is not present in population databases (gnomAD no frequency). This sequence change replaces threonine, which is neutral and polar, with alanine, which is neutral and non-polar, at codon 678 of the DHTKD1 protein (p.Thr678Ala).

NM_018706.7(DHTKD1):c.2032A>G (p.Thr678Ala)

Gene: DHTKD1 (dehydrogenase E1 and transketolase domain containing 1; plus strand). Cytogenetic location: 10p14.
Variant type: single nucleotide variant.
Coding change: c.2032A>G on transcript NM_018706.7 (MANE Select); coding-DNA position 2032, A replaced by G.
Protein change: p.Thr678Ala; replaces threonine 678 with alanine.
Molecular consequence: missense variant.
Genome position (GRCh38, 1-based): chr10:12,106,381, A>G. VCF-style: chr10-12106381-A-G. GRCh37 (hg19) VCF-style: chr10-12148380-A-G.
Other names: short protein forms T678A.
Identifiers: ClinVar variation 2997509 (VCV002997509.3), dbSNP rs1046306649, ClinGen allele CA202553611.